The following is an entry in ClinVar:

ClinVar aggregate classification (germline): Uncertain significance (1 of 4 stars; one submission).

Conditions:
TJP2-related disorder. Also called: TJP2-related condition.

gnomAD v4.1: 14 of 1,551,758 alleles (0.0009%); highest among the groups gnomAD compares: Middle Eastern, 0.017%; no homozygotes.

Submission:

PreventionGenetics, part of Exact Sciences
Classification: Uncertain significance for TJP2-related condition. Last evaluated: 2026-05-21. Review status: criteria provided, single submitter. Criteria: ACMG Guidelines, 2015. Collection method: clinical testing. Allele origin: germline.
Comment: The TJP2 c.34C>T variant is predicted to result in the amino acid substitution p.Arg12Trp. To our knowledge, this variant has not been reported in the literature or in a large population database (gnomAD), indicating this variant is rare. At this time, the clinical significance of this variant is uncertain due to the absence of conclusive functional and genetic evidence.

NM_004817.4(TJP2):c.34C>T (p.Arg12Trp)

Gene: TJP2 (tight junction protein 2; plus strand). Cytogenetic location: 9q21.11.
Variant type: single nucleotide variant.
Coding change: c.34C>T on transcript NM_004817.4 (MANE Select); coding-DNA position 34, C replaced by T.
Protein change: p.Arg12Trp; replaces arginine 12 with tryptophan.
Molecular consequence: missense variant. On other transcripts: intron variant (3).
Genome position (GRCh38, 1-based): chr9:69,174,406, C>T. VCF-style: chr9-69174406-C-T. GRCh37 (hg19) VCF-style: chr9-71789322-C-T.
Other names: c.34C>T, p.Arg12Trp (NM_001369872.1, NM_001369873.1, NM_201629.3); c.-10+22635C>T (NM_001170414.2, NM_001369870.1); c.-127-10681C>T (NM_001369871.1); short protein forms R12W.
Identifiers: ClinVar variation 4989885 (VCV004989885.1).